The following is an entry in ClinVar:

ClinVar aggregate classification (germline): Uncertain significance (1 of 4 stars; one submission).

Conditions:
Dilated cardiomyopathy 1JJ (CMD1JJ). Identifiers: Orphanet 154, MedGen C3808935, MONDO:0014095, OMIM 615235.

gnomAD v4.1: 1 of 1,614,066 alleles (0.000062%); highest among the groups gnomAD compares: Admixed American, 0.0017%; no homozygotes.

Submission:

Labcorp Genetics (formerly Invitae), Labcorp
Classification: Uncertain significance for Dilated cardiomyopathy 1JJ. Last evaluated: 2025-06-24. Review status: criteria provided, single submitter. Criteria: Invitae Variant Classification Sherloc (09022015). Collection method: clinical testing. Allele origin: germline.
Comment: This sequence change replaces serine, which is neutral and polar, with glycine, which is neutral and non-polar, at codon 1809 of the LAMA4 protein (p.Ser1809Gly). This variant is present in population databases (no rsID available, gnomAD 0.003%). This variant has not been reported in the literature in individuals affected with LAMA4-related conditions. Invitae Evidence Modeling of protein sequence and biophysical properties (such as structural, functional, and spatial information, amino acid conservation, physicochemical variation, residue mobility, and thermodynamic stability) indicates that this missense variant is not expected to disrupt LAMA4 protein function with a negative predictive value of 80%. In summary, the available evidence is currently insufficient to determine the role of this variant in disease. Therefore, it has been classified as a Variant of Uncertain Significance.

NM_001105206.3(LAMA4):c.5446A>G (p.Ser1816Gly)

Gene: LAMA4 (laminin subunit alpha 4; minus strand). Cytogenetic location: 6q21.
Variant type: single nucleotide variant.
Coding change: c.5446A>G on transcript NM_001105206.3 (MANE Select); coding-DNA position 5446, A replaced by G.
Protein change: p.Ser1816Gly; replaces serine 1816 with glycine.
Molecular consequence: missense variant.
Genome position (GRCh38, 1-based): chr6:112,109,463, T>C on the plus strand (A>G on the coding strand, the complement: LAMA4 is on the minus strand). VCF-style: chr6-112109463-T-C. GRCh37 (hg19) VCF-style: chr6-112430666-T-C.
Other names: c.5425A>G, p.Ser1809Gly (NM_001105207.3, NM_002290.5); short protein forms S1809G, S1816G.
Identifiers: ClinVar variation 4733880 (VCV004733880.1).